The following is an entry in ClinVar:

NM_177438.3(DICER1):c.1040T>C (p.Phe347Ser)

Gene: DICER1 (dicer 1, ribonuclease III; minus strand). Cytogenetic location: 14q32.13.
Variant type: single nucleotide variant.
Coding change: c.1040T>C on transcript NM_177438.3 (MANE Select); coding-DNA position 1040, T replaced by C.
Protein change: p.Phe347Ser; replaces phenylalanine 347 with serine.
Molecular consequence: missense variant. On other transcripts: 5 prime UTR variant (1), non-coding transcript variant (6).
Genome position (GRCh38, 1-based): chr14:95,124,532, A>G on the plus strand (T>C on the coding strand, the complement: DICER1 is on the minus strand). VCF-style: chr14-95124532-A-G. GRCh37 (hg19) VCF-style: chr14-95590869-A-G.
Other names: c.1040T>C, p.Phe347Ser (NM_001195573.1, NM_001271282.3, NM_001291628.2 and 14 more transcripts); c.758T>C, p.Phe253Ser (NM_001395686.1); c.635T>C, p.Phe212Ser (NM_001395687.1, NM_001395688.1, NM_001395689.1 and 3 more transcripts); c.473T>C, p.Phe158Ser (NM_001395691.1); c.-529T>C (NM_001395697.1); short protein forms F212S, F253S, F158S, F347S.
Identifiers: ClinVar variation 5035262 (VCV005035262.1).

ClinVar aggregate classification (germline): Uncertain significance (1 of 4 stars; one submission).

Conditions:
Hereditary cancer-predisposing syndrome. Also called: Hereditary Cancer Syndrome; Neoplastic Syndromes, Hereditary; Tumor predisposition; Hereditary neoplastic syndrome. Identifiers: Orphanet 140162, MedGen C0027672, MeSH D009386, MONDO:0015356.

Submission:

Ambry Genetics
Classification: Uncertain significance for Hereditary cancer-predisposing syndrome. Last evaluated: 2026-07-07. Review status: criteria provided, single submitter. Criteria: Ambry Variant Classification Scheme 2023. Collection method: clinical testing. Allele origin: germline.
Comment: The p.F347S variant (also known as c.1040T>C), located in coding exon 7 of the DICER1 gene, results from a T to C substitution at nucleotide position 1040. The phenylalanine at codon 347 is replaced by serine, an amino acid with highly dissimilar properties. This amino acid position is conserved. In addition, the in silico prediction for this alteration is inconclusive. Based on the available evidence, the clinical significance of this variant remains unclear.